The following is an entry in ClinVar:

NM_001182.5(ALDH7A1):c.632G>T (p.Cys211Phe)

Gene: ALDH7A1 (aldehyde dehydrogenase 7 family member A1; minus strand). Cytogenetic location: 5q23.2.
Variant type: single nucleotide variant.
Coding change: c.632G>T on transcript NM_001182.5 (MANE Select); coding-DNA position 632, G replaced by T.
Protein change: p.Cys211Phe; replaces cysteine 211 with phenylalanine.
Molecular consequence: missense variant.
Genome position (GRCh38, 1-based): chr5:126,577,097, C>A on the plus strand (G>T on the coding strand, the complement: ALDH7A1 is on the minus strand). VCF-style: chr5-126577097-C-A. GRCh37 (hg19) VCF-style: chr5-125912789-C-A.
Other names: c.548G>T, p.Cys183Phe (NM_001201377.2); c.632G>T, p.Cys211Phe (NM_001202404.2); short protein forms C211F, C183F.
Identifiers: ClinVar variation 430453 (VCV000430453.11), dbSNP rs1131691976, ClinGen allele CA360731005.

ClinVar aggregate classification (germline): Conflicting classifications of pathogenicity. Review status: criteria provided, conflicting classifications (1 of 4 stars). 2 submissions from 2 submitters: Likely pathogenic (1); Uncertain significance (1). Last evaluated 2020-03-23.

Conditions:
Pyridoxine-dependent epilepsy (EPEO4). Also called: Pyridoxine-Dependent Epilepsy - ALDH7A1; EPILEPSY, EARLY-ONSET, 4, VITAMIN B6-DEPENDENT; Pyridoxine-Dependent Seizures; PYRIDOXINE DEPENDENCY WITH SEIZURES. Identifiers: Orphanet 3006, MedGen C1849508, MONDO:0009945, OMIM 266100. Disease mechanism: loss of function.

Allele frequency attached by ClinVar (database versions not stated): gnomAD exomes below 0.00001.
gnomAD v4.1: 3 of 1,614,140 alleles (0.00019%); highest among the groups gnomAD compares: Non-Finnish European, 0.00025%; no homozygotes.

Submissions (2):

Labcorp Genetics (formerly Invitae), Labcorp
Classification: Uncertain significance for Pyridoxine-dependent epilepsy. Last evaluated: 2020-03-23. Review status: criteria provided, single submitter. Criteria: Invitae Variant Classification Sherloc (09022015). Collection method: clinical testing. Allele origin: germline.
Comment: In summary, the available evidence is currently insufficient to determine the role of this variant in disease. Therefore, it has been classified as a Variant of Uncertain Significance. Algorithms developed to predict the effect of missense changes on protein structure and function are either unavailable or do not agree on the potential impact of this missense change (SIFT: "Deleterious"; PolyPhen-2: "Possibly Damaging"; Align-GVGD: "Class C0"). This variant has not been reported in the literature in individuals with ALDH7A1-related conditions. ClinVar contains an entry for this variant (Variation ID: 430453). This variant is not present in population databases (ExAC no frequency). This sequence change replaces cysteine with phenylalanine at codon 211 of the ALDH7A1 protein (p.Cys211Phe). The cysteine residue is moderately conserved and there is a large physicochemical difference between cysteine and phenylalanine.

GeneDx
Classification: Likely pathogenic. Last evaluated: 2018-10-22. Review status: criteria provided, single submitter. Criteria: GeneDx Variant Classification (06012015). Collection method: clinical testing. Allele origin: germline. Affected: yes.
Comment: The C211F variant in the ALDH7A1 gene has not been reported previously as a pathogenic variant, nor as a benign variant, to our knowledge. The C211F variant is not observed in large population cohorts (Lek et al., 2016). The C211F variant is a non-conservative amino acid substitution, which is likely to impact secondary protein structure as these residues differ in polarity, charge, size and/or other properties. In-silico analyses, including protein predictors and evolutionary conservation, support a deleterious effect. We interpret C211F as a likely pathogenic variant.